The following is an entry in ClinVar:

ClinVar aggregate classification (germline): Uncertain significance (1 of 4 stars; one submission).

Conditions:
Angelman syndrome-like. Identifiers: MedGen CN128785.
Developmental and epileptic encephalopathy, 2 (DEE2). Also called: INFANTILE SPASM SYNDROME, X-LINKED 2; CDKL5 deficiency disorder. Identifiers: Orphanet 1934, Orphanet 3451, Orphanet 505652, MedGen C4750718, MONDO:0010396, OMIM 300672.

Submission:

Labcorp Genetics (formerly Invitae), Labcorp
Classification: Uncertain significance for Developmental and epileptic encephalopathy, 2; Angelman syndrome-like. Last evaluated: 2023-12-06. Review status: criteria provided, single submitter. Criteria: Invitae Variant Classification Sherloc (09022015). Collection method: clinical testing. Allele origin: unknown.
Comment: A copy number gain of the genomic region encompassing the full coding sequence of the CDKL5 gene has been identified. The boundaries of this event are unknown as they extend beyond the assayed region for this gene and therefore may encompass additional genes. As the precise location of this event is unknown, it may be in tandem or it may be located elsewhere in the genome. Isolated whole-gene copy number gains of CDKL5 have not been reported in the literature. However, larger copy number events that include this gene have been reported (PMID: 18076117, 25315662). A similar copy number variant has been observed in at least one individual who was not affected with CDKL5-related conditions (Invitae). In summary, the available evidence is currently insufficient to determine the role of this variant in disease. Therefore, it has been classified as a Variant of Uncertain Significance.

Literature cited by the submitters: PubMed 18076117; PubMed 25315662.

NC_000023.10:g.(?_18525053)_(18671664_?)dup

Genes: CDKL5 (cyclin dependent kinase like 5; plus strand), RS1 (retinoschisin 1; minus strand). Cytogenetic location: Xp22.13.
Variant type: Duplication.
Identifiers: ClinVar variation 3244325 (VCV003244325.1).